The following is an entry in ClinVar:

ClinVar aggregate classification (germline): Conflicting classifications of pathogenicity. Review status: criteria provided, conflicting classifications (1 of 4 stars). 12 submissions from 12 submitters: Uncertain significance (8); Likely benign (2). 2 of the submissions do not count toward it. Last evaluated 2026-07-17.

Conditions:
Inborn genetic diseases. Identifiers: MedGen C0950123, MeSH D030342.
Phenylketonuria (PKU). Also called: FOLLING DISEASE; Phenylketonurias; OLIGOPHRENIA PHENYLPYRUVICA; Phenylketonuria (PKU). Identifiers: Orphanet 716, MedGen C0031485, MONDO:0009861, OMIM 261600. Disease mechanism: loss of function.

Allele frequency attached by ClinVar (database versions not stated): 1000 Genomes Project 30x 0.00016; 1000 Genomes Project 0.00020; ESP Exome Variant Server 0.00046; ExAC 0.00056; TOPMed 0.00063; gnomAD exomes 0.00064 and 0.00132; gnomAD 0.00068 and 0.00069.
gnomAD v4.1: 2,022 of 1,614,200 alleles (0.13%); highest among the groups gnomAD compares: Non-Finnish European, 0.16%; 1 homozygote.

Submissions (12):

GeneDx
Classification: Uncertain significance. Last evaluated: 2026-07-17. Review status: criteria provided, single submitter. Criteria: GeneDx Variant Classification Process June 2021. Collection method: clinical testing. Allele origin: germline.
Comment: In vitro functional studies suggest this variant may impact splicing; however, further data are needed (PMID: 20457534); Has not been previously published as pathogenic or benign in association with phenylketonuria to our knowledge; This variant is associated with the following publications: (PMID: 34426522, 20457534, 2018035, 25087612, 29473999)

Women's Health and Genetics/Laboratory Corporation of America, LabCorp
Classification: Uncertain significance. Last evaluated: 2026-03-13. Review status: criteria provided, single submitter. Criteria: LabCorp Variant Classification Summary - May 2015. Collection method: clinical testing. Allele origin: germline.
Comment: Variant summary: PAH c.30C>G results in a synonymous change. Consensus agreement among computation tools predict no significant impact on normal splicing. However, these predictions have yet to be confirmed by functional studies. The variant allele was found at a frequency of 0.00064 in 251468 control chromosomes (gnomAD). This frequency is not significantly higher than estimated for a pathogenic variant in PAH causing Phenylalanine Hydroxylase Deficiency (Phenylketonuria) (0.00064 vs 0.0079), allowing no conclusion about variant significance. c.30C>G was initially described in a family with three siblings who presented with different clinical manifestations of Hyperphenylalaninemia ranging from "normal" (Sibling A) to severe retardation (Sibling B) and dietarily responsive (Sibling C) (DiSilvestre_1991). As this study predated PAH gene sequencing, the exact variation was not specified. In a subsequent report, two of these three siblings were reported as harboring this variant but their exact identity relative to the previously published report was not specified (example, Dobrowolski_2010). These reports do not provide unequivocal conclusions about association of the variant with Phenylalanine Hydroxylase Deficiency (Phenylketonuria). To our knowledge, no experimental evidence demonstrating an impact on protein function has been reported. The following publications have been ascertained in the context of this evaluation (PMID: 2018035, 20457534). ClinVar contains an entry for this variant (Variation ID: 102649). Based on the evidence outlined above, the variant was classified as uncertain significance.

Ambry Genetics
Classification: Uncertain significance for Inborn genetic diseases. Last evaluated: 2025-12-29. Review status: criteria provided, single submitter. Criteria: Ambry Variant Classification Scheme 2023. Collection method: clinical testing. Allele origin: germline.
Comment: The c.30C>G (p.G10G) alteration is located in exon 1 (coding exon 1) of the PAH gene. This alteration consists of a C to G substitution at nucleotide position 30. This nucleotide substitution does not change the amino acid at codon 10. However, this change occurs in the last nucleotide of Exon 1 (c.-472_60) which makes it likely to have some effect on normal mRNA splicing. Based on data from gnomAD, the G allele has an overall frequency of 0.064% (181/282868) total alleles studied. The highest observed frequency was 0.116% (150/129170) of European (non-Finnish) alleles. Based on insufficient or conflicting evidence, the clinical significance of this alteration remains unclear.

Blueprint Genetics
Classification: Likely benign. Last evaluated: 2024-09-09. Review status: criteria provided, single submitter. Criteria: ACMG Guidelines, 2015. Collection method: clinical testing. Allele origin: germline.

CeGaT Center for Human Genetics Tuebingen
Classification: Likely benign. Last evaluated: 2024-02-01. Review status: criteria provided, single submitter. Criteria: CeGaT Center For Human Genetics Tuebingen Variant Classification Criteria Version 2. Collection method: clinical testing. Allele origin: germline. Affected: yes. Observed: 1 variant allele.
Comment: PAH: BP4, BP7

Baylor Genetics
Classification: Uncertain significance for Phenylketonuria. Last evaluated: 2023-08-14. Review status: criteria provided, single submitter. Criteria: ACMG Guidelines, 2015. Collection method: clinical testing. Allele origin: unknown.

Labcorp Genetics (formerly Invitae), Labcorp
Classification: Uncertain significance for Phenylketonuria. Last evaluated: 2022-09-13. Review status: criteria provided, single submitter. Criteria: Invitae Variant Classification Sherloc (09022015). Collection method: clinical testing. Allele origin: germline.
Comment: This sequence change affects codon 10 of the PAH mRNA. It is a 'silent' change, meaning that it does not change the encoded amino acid sequence of the PAH protein. This variant is present in population databases (rs1801145, gnomAD 0.1%), and has an allele count higher than expected for a pathogenic variant. This variant has been observed in individual(s) with phenylketonuria (PKU) (PMID: 2018035, 20457534). ClinVar contains an entry for this variant (Variation ID: 102649). Studies have shown that this variant is associated with altered splicing resulting in unknown protein product impact (PMID: 20457534). In summary, the available evidence is currently insufficient to determine the role of this variant in disease. Therefore, it has been classified as a Variant of Uncertain Significance.

Revvity Omics, Revvity
Classification: Uncertain significance for Phenylketonuria. Last evaluated: 2021-09-24. Review status: criteria provided, single submitter. Criteria: ACMG Guidelines, 2015. Collection method: clinical testing. Allele origin: germline.

CENTOGENE GmbH and LLC - Guiding Precision Medicine
Classification: Uncertain significance for Phenylketonuria. Last evaluated: 2019-07-18. Review status: criteria provided, single submitter. Criteria: ACMG Guidelines, 2015. Collection method: clinical testing. Allele origin: germline.

Breakthrough Genomics
Classification: Uncertain significance. Review status: criteria provided, single submitter. Criteria: ACMG Guidelines, 2015. Collection method: not provided. Allele origin: germline. Inheritance: Autosomal recessive inheritance. Affected: yes.

Natera, Inc.
Classification: Uncertain significance for Phenylketonuria. Last evaluated: 2019-12-27. Review status: no assertion criteria provided. Collection method: clinical testing. Allele origin: germline. Not counted in ClinVar's aggregate classification.

DeBelle Laboratory for Biochemical Genetics, MUHC/MCH RESEARCH INSTITUTE
No classification provided. Review status: no classification provided. Collection method: not provided. Allele origin: not provided. Not counted in ClinVar's aggregate classification.

Literature cited by the submitters: PubMed 2018035 (cited by 3 submitters); PubMed 20457534 (cited by 3 submitters).

NM_000277.3(PAH):c.30C>G (p.Gly10=)

Gene: PAH (phenylalanine hydroxylase; minus strand). Cytogenetic location: 12q23.2.
Variant type: single nucleotide variant.
Coding change: c.30C>G on transcript NM_000277.3 (MANE Select); coding-DNA position 30, C replaced by G.
Protein change: p.Gly10=; no amino-acid change (glycine 10 retained).
Molecular consequence: synonymous variant.
Genome position (GRCh38, 1-based): chr12:102,917,101, G>C on the plus strand (C>G on the coding strand, the complement: PAH is on the minus strand). VCF-style: chr12-102917101-G-C. GRCh37 (hg19) VCF-style: chr12-103310879-G-C.
Other names: c.30C>G, p.Gly10= (NM_001354304.2).
Identifiers: ClinVar variation 102649 (VCV000102649.48), dbSNP rs1801145, ClinGen allele CA229513.
Genomic context (GRCh38, chr12:102,917,101, plus strand): 5'-AACTGAGCAGCTCAGGCTGCCGTGGCTCACCTGTCCAAAGTCAGAGAGTTTCCTGCCCAA[G>C]CCTGGGTTTTCCAGGACCGCAGTGGACATGCTGGCTCCCCGGGAGTGAGGTCTCTGGCTT-3'
Protein context (NP_000268.1, residues 1-20): MSTAVLENP[Gly10=]LGRKLSDFGQ